The following is an entry in ClinVar:

NM_181703.4(GJA5):c.607G>A (p.Glu203Lys)

Genes: GJA5 (gap junction protein alpha 5; minus strand), LOC122128420 (Sharpr-MPRA regulatory region 3144; plus strand). Cytogenetic location: 1q21.2.
Variant type: single nucleotide variant.
Coding change: c.607G>A on transcript NM_181703.4 (MANE Select); coding-DNA position 607, G replaced by A.
Protein change: p.Glu203Lys; replaces glutamic acid 203 with lysine.
Molecular consequence: missense variant.
Genome position (GRCh38, 1-based): chr1:147,758,632, C>T on the plus strand (G>A on the coding strand, the complement: GJA5 is on the minus strand). VCF-style: chr1-147758632-C-T. GRCh37 (hg19) VCF-style: chr1-147230740-C-T.
Other names: c.607G>A, p.Glu203Lys (NM_005266.7); short protein forms E203K.
Identifiers: ClinVar variation 2108420 (VCV002108420.5), dbSNP rs1461177850, ClinGen allele CA342395438.
Genomic context (GRCh38, chr1:147,758,632, plus strand): 5'-GGCTAAGGAGGAGGGACAGTGCAGCCACAGCCAGCATAAAGACAATGAAGACATTCTTCT[C>T]TGTGGGCCGGGATACGTAACAGTTGACCGGGTGGGGACAGGGACTCCTGCGGCAGACATG-3'
Protein context (NP_859054.1, residues 193-213): PVNCYVSRPT[Glu203Lys]KNVFIVFMLA

ClinVar aggregate classification (germline): Uncertain significance. Review status: criteria provided, multiple submitters, no conflicts (2 of 4 stars). 2 submissions from 2 submitters: Uncertain significance (2). Last evaluated 2024-11-07.

Conditions:
Atrial standstill 1 (ATRST1). Also called: Atrial standstill, digenic (GJA5/SCN5A); ATRIAL CARDIOMYOPATHY WITH HEART BLOCK; CARDIOMYOPATHY, FAMILIAL, WITH CONDUCTION DISTURBANCE. Identifiers: Orphanet 1344, MedGen C4551959, MONDO:0007171, OMIM 108770.
Atrial fibrillation, familial, 11 (ATFB11). Identifiers: MedGen C3279693, MONDO:0013544, OMIM 614049.

Allele frequency attached by ClinVar (database versions not stated): TOPMed below 0.00001; gnomAD exomes 0.00001.
gnomAD v4.1: 13 of 1,614,150 alleles (0.00081%); highest among the groups gnomAD compares: Non-Finnish European, 0.0011%; no homozygotes.

Submissions (2):

GeneDx
Classification: Uncertain significance. Last evaluated: 2024-11-07. Review status: criteria provided, single submitter. Criteria: GeneDx Variant Classification Process June 2021. Collection method: clinical testing. Allele origin: germline. Affected: yes.
Comment: Not observed at significant frequency in large population cohorts (gnomAD); In silico analysis supports that this missense variant has a deleterious effect on protein structure/function; Has not been previously published as pathogenic or benign to our knowledge

Labcorp Genetics (formerly Invitae), Labcorp
Classification: Uncertain significance for Atrial fibrillation, familial, 11; Atrial standstill 1. Last evaluated: 2022-03-10. Review status: criteria provided, single submitter. Criteria: Invitae Variant Classification Sherloc (09022015). Collection method: clinical testing. Allele origin: germline.
Comment: In summary, the available evidence is currently insufficient to determine the role of this variant in disease. Therefore, it has been classified as a Variant of Uncertain Significance. Algorithms developed to predict the effect of missense changes on protein structure and function are either unavailable or do not agree on the potential impact of this missense change (SIFT: "Not Available"; PolyPhen-2: "Probably Damaging"; Align-GVGD: "Not Available"). This variant has not been reported in the literature in individuals affected with GJA5-related conditions. This variant is present in population databases (no rsID available, gnomAD 0.002%). This sequence change replaces glutamic acid, which is acidic and polar, with lysine, which is basic and polar, at codon 203 of the GJA5 protein (p.Glu203Lys).